The following is an entry in ClinVar:

ClinVar aggregate classification (germline): Pathogenic (1 of 4 stars; one submission).

Conditions:
Usher syndrome type 1F (USH1F). Also called: USHER SYNDROME, TYPE IF. Identifiers: Orphanet 231169, Orphanet 886, MedGen C1865885, MONDO:0011186, OMIM 602083.

Submission:

Institute of Rare Diseases, West China Hospital, Sichuan University
Classification: Pathogenic for Usher syndrome type 1F. Last evaluated: 2025-01-09. Review status: criteria provided, single submitter. Criteria: ClinGen HL ACMG Specifications v1. Collection method: research. Allele origin: germline. Affected: yes.
Comment: PVS1;PP4;PM2_Supporting

NM_001384140.1(PCDH15):c.3042_3045dup (p.Met1016fs)

Gene: PCDH15 (protocadherin related 15; minus strand). Cytogenetic location: 10q21.1.
Variant type: Microsatellite.
Coding change: c.3042_3045dup on transcript NM_001384140.1 (MANE Select); coding-DNA positions 3042 to 3045, 4 bases duplicated (TGTG; older notation c.3042_3045dupTGTG).
Protein change: p.Met1016fs; shifts the reading frame from methionine 1016.
Molecular consequence: frameshift variant.
Genome position (GRCh38, 1-based): chr10:53,959,809-53,959,812, CACA duplicated on the plus strand (TGTG on the coding strand, the reverse complement: PCDH15 is on the minus strand). VCF-style (leftmost placement, unchanged base first): chr10-53959808-T-TCACA. GRCh37 (hg19) VCF-style: chr10-55719568-T-TCACA.
Other names: c.3057_3060dup, p.Met1021fs (NM_001142763.2, NM_001142771.2); c.3042_3045dup, p.Met1016fs (NM_001142764.2, NM_001142766.2, NM_001142770.3 and 4 more transcripts); c.2829_2832dup, p.Met945fs (NM_001142765.2); c.2931_2934dup, p.Met979fs (NM_001142767.2); c.2976_2979dup, p.Met994fs (NM_001142768.2, NM_001142773.2, NM_001354404.2); c.3078_3079TG[4], p.Met1028Cysfs (NM_001142769.4); c.3063_3066dup, p.Met1023fs (NM_001354411.2); short protein forms M1016fs, M1021fs, M1023fs, M1028fs, M945fs, M979fs, M994fs.
Identifiers: ClinVar variation 3601614 (VCV003601614.1).
Genomic context (GRCh38, chr10:53,959,808, plus strand): 5'-TGAAGCGTGGGATCTCACCAGGATGTAAGACAAGAATCTTCACTGTGGCACTGCTGGACA[T>TCACA]CACAGGCTCCCCATCATCAAAAGCAACCACCACCAACTTAAAAAGCAATAAAAATTCATG-3'